The following is an entry in ClinVar:

NM_021076.4(NEFH):c.1730A>G (p.Glu577Gly)

Gene: NEFH (neurofilament heavy chain; plus strand). Cytogenetic location: 22q12.2.
Variant type: single nucleotide variant.
Coding change: c.1730A>G on transcript NM_021076.4 (MANE Select); coding-DNA position 1730, A replaced by G.
Protein change: p.Glu577Gly; replaces glutamic acid 577 with glycine.
Molecular consequence: missense variant.
Genome position (GRCh38, 1-based): chr22:29,489,370, A>G. VCF-style: chr22-29489370-A-G. GRCh37 (hg19) VCF-style: chr22-29885359-A-G.
Other names: short protein forms E577G.
Identifiers: ClinVar variation 2843695 (VCV002843695.3), dbSNP rs2517977382, ClinGen allele CA411131586.

ClinVar aggregate classification (germline): Uncertain significance (1 of 4 stars; one submission).

Allele frequency attached by ClinVar (database versions not stated): gnomAD exomes below 0.00001.
gnomAD v4.1: 2 of 1,612,708 alleles (0.00012%); highest among the groups gnomAD compares: Non-Finnish European, 0.00017%; no homozygotes.

Submission:

Labcorp Genetics (formerly Invitae), Labcorp
Classification: Uncertain significance. Last evaluated: 2023-03-08. Review status: criteria provided, single submitter. Criteria: Invitae Variant Classification Sherloc (09022015). Collection method: clinical testing. Allele origin: germline.
Comment: This sequence change replaces glutamic acid, which is acidic and polar, with glycine, which is neutral and non-polar, at codon 577 of the NEFH protein (p.Glu577Gly). This variant is not present in population databases (gnomAD no frequency). This variant has not been reported in the literature in individuals affected with NEFH-related conditions. Advanced modeling of protein sequence and biophysical properties (such as structural, functional, and spatial information, amino acid conservation, physicochemical variation, residue mobility, and thermodynamic stability) performed at Invitae indicates that this missense variant is not expected to disrupt NEFH protein function. In summary, the available evidence is currently insufficient to determine the role of this variant in disease. Therefore, it has been classified as a Variant of Uncertain Significance.